The following is an entry in ClinVar:

ClinVar aggregate classification (germline): Uncertain significance. Review status: criteria provided, multiple submitters, no conflicts (2 of 4 stars). 2 submissions from 2 submitters: Uncertain significance (2). Last evaluated 2025-09-04.

Allele frequency attached by ClinVar (database versions not stated): gnomAD 0.00001; TOPMed 0.00001; gnomAD exomes 0.00002.
gnomAD v4.1: 26 of 1,614,030 alleles (0.0016%); highest among the groups gnomAD compares: Non-Finnish European, 0.0022%; no homozygotes.

Submissions (2):

Women's Health and Genetics/Laboratory Corporation of America, LabCorp
Classification: Uncertain significance. Last evaluated: 2025-09-04. Review status: criteria provided, single submitter. Criteria: LabCorp Variant Classification Summary - May 2015. Collection method: clinical testing. Allele origin: germline.
Comment: Variant summary: MYH3 c.3946C>T (p.Leu1316Phe) results in a non-conservative amino acid change in the encoded protein sequence. Algorithms developed to predict the effect of missense changes on protein structure and function all suggest that this variant is likely to be disruptive. The variant was absent in 251492 control chromosomes. The available data on variant occurrences in the general population are insufficient to allow any conclusion about variant significance. To our knowledge, no occurrence of c.3946C>T in individuals affected with MYH3-related conditions and no experimental evidence demonstrating its impact on protein function have been reported. ClinVar contains an entry for this variant (Variation ID: 2723050). Based on the evidence outlined above, the variant was classified as uncertain significance.

Labcorp Genetics (formerly Invitae), Labcorp
Classification: Uncertain significance. Last evaluated: 2023-07-25. Review status: criteria provided, single submitter. Criteria: Invitae Variant Classification Sherloc (09022015). Collection method: clinical testing. Allele origin: germline.
Comment: In summary, the available evidence is currently insufficient to determine the role of this variant in disease. Therefore, it has been classified as a Variant of Uncertain Significance. Advanced modeling of protein sequence and biophysical properties (such as structural, functional, and spatial information, amino acid conservation, physicochemical variation, residue mobility, and thermodynamic stability) performed at Invitae indicates that this missense variant is not expected to disrupt MYH3 protein function. This variant has not been reported in the literature in individuals affected with MYH3-related conditions. This variant is not present in population databases (gnomAD no frequency). This sequence change replaces leucine, which is neutral and non-polar, with phenylalanine, which is neutral and non-polar, at codon 1316 of the MYH3 protein (p.Leu1316Phe).

NM_002470.4(MYH3):c.3946C>T (p.Leu1316Phe)

Gene: MYH3 (myosin heavy chain 3; minus strand). Cytogenetic location: 17p13.1.
Variant type: single nucleotide variant.
Coding change: c.3946C>T on transcript NM_002470.4 (MANE Select); coding-DNA position 3946, C replaced by T.
Protein change: p.Leu1316Phe; replaces leucine 1316 with phenylalanine.
Molecular consequence: missense variant.
Genome position (GRCh38, 1-based): chr17:10,635,764, G>A on the plus strand (C>T on the coding strand, the complement: MYH3 is on the minus strand). VCF-style: chr17-10635764-G-A. GRCh37 (hg19) VCF-style: chr17-10539081-G-A.
Other names: short protein forms L1316F.
Identifiers: ClinVar variation 2723050 (VCV002723050.4), dbSNP rs1033025428, ClinGen allele CA287782235.